The following is an entry in ClinVar:

NM_001366385.1(CARD14):c.378G>A (p.Glu126=)

Gene: CARD14 (caspase recruitment domain family member 14; plus strand). Cytogenetic location: 17q25.3.
Variant type: single nucleotide variant.
Coding change: c.378G>A on transcript NM_001366385.1 (MANE Select); coding-DNA position 378, G replaced by A.
Protein change: p.Glu126=; no amino-acid change (glutamic acid 126 retained).
Molecular consequence: synonymous variant. On other transcripts: non-coding transcript variant (1).
Genome position (GRCh38, 1-based): chr17:80,183,941, G>A. VCF-style: chr17-80183941-G-A. GRCh37 (hg19) VCF-style: chr17-78157740-G-A.
Other names: p.Glu126=; c.378G>A, p.Glu126= (NM_001257970.1, NM_024110.4).
Identifiers: ClinVar variation 458105 (VCV000458105.42), dbSNP rs138552007, ClinGen allele CA8816414.

ClinVar aggregate classification (germline): Benign/Likely benign. Review status: criteria provided, multiple submitters, no conflicts (2 of 4 stars). 7 submissions from 7 submitters: Benign (6); Likely benign (1). Last evaluated 2026-08-01.

Conditions:
Autoinflammatory syndrome. Identifiers: Orphanet 93665, MedGen C3890737, MONDO:0019751.
Pityriasis rubra pilaris (PRP). Also called: Pityriasis rubra pilaris--familial type. Identifiers: Orphanet 2897, MedGen C0032027, MONDO:0100017, OMIM 173200, MONDO:0008251.
Psoriasis 2. Identifiers: MedGen C1864497, MONDO:0011269, OMIM 602723.

Allele frequency attached by ClinVar (database versions not stated): 1000 Genomes Project 30x 0.00156; 1000 Genomes Project 0.00160; gnomAD exomes 0.00217 and 0.00429; ESP Exome Variant Server 0.00239; TOPMed 0.00245; gnomAD 0.00247 and 0.00249; ExAC 0.00506.
gnomAD v4.1: 6,304 of 1,532,298 alleles (0.41%); highest among the groups gnomAD compares: Non-Finnish European, 0.5%; 22 homozygotes.

Submissions (7):

CeGaT Center for Human Genetics Tuebingen
Classification: Benign. Last evaluated: 2026-08-01. Review status: criteria provided, single submitter. Criteria: CeGaT Center For Human Genetics Tuebingen Variant Classification Criteria Version 2. Collection method: clinical testing. Allele origin: germline. Affected: yes. Observed: 4 variant alleles.
Comment: CARD14: BP4, BP7, BS1, BS2

Labcorp Genetics (formerly Invitae), Labcorp
Classification: Benign for Pityriasis rubra pilaris; Psoriasis 2. Last evaluated: 2026-02-01. Review status: criteria provided, single submitter. Criteria: Invitae Variant Classification Sherloc (09022015). Collection method: clinical testing. Allele origin: germline.

Women's Health and Genetics/Laboratory Corporation of America, LabCorp
Classification: Benign. Last evaluated: 2024-11-27. Review status: criteria provided, single submitter. Criteria: LabCorp Variant Classification Summary - May 2015. Collection method: clinical testing. Allele origin: germline.

Blueprint Genetics
Classification: Likely benign. Last evaluated: 2024-11-13. Review status: criteria provided, single submitter. Criteria: ACMG Guidelines, 2015. Collection method: clinical testing. Allele origin: germline.

Genome Diagnostics Laboratory, The Hospital for Sick Children
Classification: Benign for Autoinflammatory syndrome. Last evaluated: 2021-04-12. Review status: criteria provided, single submitter. Criteria: ACMG Guidelines, 2015. Collection method: clinical testing. Allele origin: germline. Affected: yes.

Mayo Clinic Laboratories, Mayo Clinic
Classification: Benign. Last evaluated: 2020-03-24. Review status: criteria provided, single submitter. Criteria: ACMG Guidelines, 2015. Collection method: clinical testing. Allele origin: germline. Observed: 10 variant alleles.

Breakthrough Genomics
Classification: Benign. Review status: criteria provided, single submitter. Criteria: ACMG Guidelines, 2015. Collection method: not provided. Allele origin: germline. Inheritance: Autosomal dominant inheritance. Affected: yes.